The following is an entry in ClinVar:

ClinVar aggregate classification (germline): Uncertain significance. Review status: criteria provided, multiple submitters, no conflicts (2 of 4 stars). 2 submissions from 2 submitters: Uncertain significance (2). Last evaluated 2026-08-04.

Conditions:
Familial thoracic aortic aneurysm and aortic dissection (TAAD). Also called: Thoracic aortic aneurysms and dissections. Identifiers: Orphanet 91387, MedGen C4707243, MONDO:0019625.
Ehlers-Danlos syndrome, classic type, 1 (EDSCL1). Also called: Ehlers-Danlos syndrome, type 1; Ehlers-Danlos Syndrome, Classic Type, COL5A1-Related; EHLERS-DANLOS SYNDROME, GRAVIS TYPE; EHLERS-DANLOS SYNDROME, SEVERE CLASSIC TYPE; EDS I. Identifiers: MedGen C0268335, MONDO:0019567, OMIM 130000.

Allele frequency attached by ClinVar (database versions not stated): TOPMed 0.00001.
gnomAD v4.1: 3 of 1,614,102 alleles (0.00019%); highest among the groups gnomAD compares: Non-Finnish European, 0.00025%; no homozygotes.

Submissions (2):

Ambry Genetics
Classification: Uncertain significance for Familial thoracic aortic aneurysm and aortic dissection. Last evaluated: 2026-08-04. Review status: criteria provided, single submitter. Criteria: Ambry Variant Classification Scheme 2023. Collection method: clinical testing. Allele origin: germline.

Labcorp Genetics (formerly Invitae), Labcorp
Classification: Uncertain significance for Ehlers-Danlos syndrome, classic type, 1. Last evaluated: 2025-03-05. Review status: criteria provided, single submitter. Criteria: Invitae Variant Classification Sherloc (09022015). Collection method: clinical testing. Allele origin: germline.
Comment: This sequence change replaces aspartic acid, which is acidic and polar, with valine, which is neutral and non-polar, at codon 1297 of the COL5A2 protein (p.Asp1297Val). This variant is not present in population databases (gnomAD no frequency). This variant has not been reported in the literature in individuals affected with COL5A2-related conditions. ClinVar contains an entry for this variant (Variation ID: 2874416). Invitae Evidence Modeling of protein sequence and biophysical properties (such as structural, functional, and spatial information, amino acid conservation, physicochemical variation, residue mobility, and thermodynamic stability) indicates that this missense variant is not expected to disrupt COL5A2 protein function with a negative predictive value of 80%. In summary, the available evidence is currently insufficient to determine the role of this variant in disease. Therefore, it has been classified as a Variant of Uncertain Significance.

NM_000393.5(COL5A2):c.3890A>T (p.Asp1297Val)

Gene: COL5A2 (collagen type V alpha 2 chain; minus strand). Cytogenetic location: 2q32.2.
Variant type: single nucleotide variant.
Coding change: c.3890A>T on transcript NM_000393.5 (MANE Select); coding-DNA position 3890, A replaced by T.
Protein change: p.Asp1297Val; replaces aspartic acid 1297 with valine.
Molecular consequence: missense variant.
Genome position (GRCh38, 1-based): chr2:189,039,307, T>A on the plus strand (A>T on the coding strand, the complement: COL5A2 is on the minus strand). VCF-style: chr2-189039307-T-A. GRCh37 (hg19) VCF-style: chr2-189904033-T-A.
Other names: c.3890A>T (NM_000393.3); short protein forms D1297V.
Identifiers: ClinVar variation 2874416 (VCV002874416.4), dbSNP rs1327072014, ClinGen allele CA349857449.